The following is an entry in ClinVar:

ClinVar aggregate classification (germline): Uncertain significance (1 of 4 stars; one submission).

Submission:

GeneDx
Classification: Uncertain significance. Last evaluated: 2019-09-18. Review status: criteria provided, single submitter. Criteria: GeneDx Variant Classification Process June 2021. Collection method: clinical testing. Allele origin: germline. Affected: yes.
Comment: Not observed in large population cohorts (Lek et al., 2016); In-frame deletion of 2 amino acids in a non-repeat region; In silico analysis, which includes protein predictors and evolutionary conservation, supports a deleterious effect; Has not been previously published as pathogenic or benign to our knowledge

NM_001061.7(TBXAS1):c.893_898del (p.Asp298_Ile299del)

Gene: TBXAS1 (thromboxane A synthase 1; plus strand). Cytogenetic location: 7q34.
Variant type: Deletion.
Coding change: c.893_898del on transcript NM_001061.7 (MANE Select); coding-DNA positions 893 to 898, 6 bases deleted (ACATCG; older notation c.893_898delACATCG).
Protein change: p.Asp298_Ile299del.
Molecular consequence: inframe deletion.
Genome position (GRCh38, 1-based): chr7:139,961,992-139,961,997, ACATCG deleted; deleting any 6 consecutive bases within chr7:139,961,991-139,961,997 gives the same sequence; the c. name uses the placement nearest the transcript's 3' end. VCF-style (leftmost placement, unchanged base first): chr7-139961990-TGACATC-T. GRCh37 (hg19) VCF-style: chr7-139661789-TGACATC-T.
Other names: c.896_901delACATCG (NM_001061.4); c.893_898del, p.Asp298_Ile299del (NM_001130966.5, NM_030984.6); c.1031_1036del, p.Asp344_Ile345del (NM_001166253.4); c.692_697del, p.Asp231_Ile232del (NM_001166254.4); c.836_841del, p.Asp279_Ile280del (NM_001314028.4); c.710_715del, p.Asp237_Ile238del (NM_001366537.3).
Identifiers: ClinVar variation 372893 (VCV000372893.3), dbSNP rs1057518055, ClinGen allele CA16042663.